The following is an entry in ClinVar:

ClinVar aggregate classification (germline): Conflicting classifications of pathogenicity. Review status: criteria provided, conflicting classifications (1 of 4 stars). 14 submissions from 13 submitters: Pathogenic (2); Likely pathogenic (9); Uncertain significance (3). Last evaluated 2026-09-04.

Conditions:
CEP290-related disorder. Also called: CEP290-related condition; CEP290-related disorders. Identifiers: MedGen CN239314.
Senior-Loken syndrome 6 (SLSN6). Identifiers: Orphanet 3156, MedGen C1857779, MONDO:0012433, OMIM 610189.
Joubert syndrome 5 (JBTS5). Identifiers: Orphanet 2318, MedGen C1857780, MONDO:0012432, OMIM 610188.
Meckel syndrome, type 4 (MKS4). Also called: MECKEL-GRUBER SYNDROME, TYPE 4. Identifiers: Orphanet 564, MedGen C1970161, MONDO:0012626, OMIM 611134.
Leber congenital amaurosis 10 (LCA10). Identifiers: Orphanet 65, MedGen C1857821, MONDO:0012723, OMIM 611755.
Bardet-Biedl syndrome 14 (BBS14). Identifiers: Orphanet 110, MedGen C2673874, MONDO:0014442, OMIM 615991.
Inborn genetic diseases. Identifiers: MedGen C0950123, MeSH D030342.
Meckel-Gruber syndrome. Also called: GRUBER SYNDROME; DYSENCEPHALIA SPLANCHNOCYSTICA; Dysencephalia splachnocystica. Identifiers: Orphanet 564, MedGen C0265215, MONDO:0018921.
Joubert syndrome. Also called: Familial aplasia of the vermis; JOUBERT-BOLTSHAUSER SYNDROME. Identifiers: Orphanet 475, MedGen C5979921, MONDO:0018772.
Nephronophthisis. Also called: Juvenile Nephronophthisis. Identifiers: Orphanet 655, MedGen C0687120, MONDO:0019005, HP:0000090.
Retinal disorder. Also called: Retinopathy; Retinal disorders; Retinopathies; Retinal Diseases. Identifiers: MedGen C0035309, MONDO:0005283, HP:0000488.

Allele frequency attached by ClinVar (database versions not stated): gnomAD 0.00005 and 0.00006; TOPMed 0.00007; gnomAD exomes 0.00012 and 0.00017; ExAC 0.00016.
gnomAD v4.1: 249 of 1,574,506 alleles (0.016%); highest among the groups gnomAD compares: Non-Finnish European, 0.02%; no homozygotes.

Submissions (15):

PreventionGenetics, part of Exact Sciences
Classification: Likely pathogenic for CEP290-related condition. Last evaluated: 2026-09-04. Review status: criteria provided, single submitter. Criteria: ACMG Guidelines, 2015. Collection method: clinical testing. Allele origin: germline.
Comment: The CEP290 c.6645+1G>A variant is predicted to disrupt the GT donor site and interfere with normal splicing. To our knowledge, this variant has not been reported in the literature in association with CEP290-related disease. This variant is reported in 0.019% of alleles in individuals of Latino descent in gnomAD. Splicing variants in CEP290 have been reported in patients with Joubert syndrome, Meckel syndrome, and Leber congenital amaurosis and are expected to be pathogenic (Baala et al. 2007. PubMed ID: 17564974; Perrault et al. 2007. PubMed ID: 17345604; Tory et al. 2007. PubMed ID: 17409309). This variant is interpreted as likely pathogenic.

Genetics Laboratory, Great Ormond Street Hospital NHS Foundation Trust, North Thames Genomic Laboratory Hub
Classification: Likely pathogenic for Retinal disorders. Last evaluated: 2026-01-20. Review status: criteria provided, single submitter. Criteria: ACGS Best Practice Guidelines for Variant Classification in Rare Disease 2024 v1.2. Collection method: clinical testing. Allele origin: germline. Affected: yes.
Comment: PM2_moderate, PVS1_strong, PM3_supporting

Labcorp Genetics (formerly Invitae), Labcorp
Classification: Likely pathogenic for Joubert syndrome; Meckel-Gruber syndrome; Nephronophthisis. Last evaluated: 2026-01-13. Review status: criteria provided, single submitter. Criteria: Invitae Variant Classification Sherloc (09022015). Collection method: clinical testing. Allele origin: germline.
Comment: This sequence change affects a donor splice site in intron 48 of the CEP290 gene. It is expected to disrupt RNA splicing. Variants that disrupt the donor or acceptor splice site typically lead to a loss of protein function (PMID: 16199547), and loss-of-function variants in CEP290 are known to be pathogenic (PMID: 16909394, 17345604, 20690115). This variant is present in population databases (rs201218801, gnomAD 0.02%). This variant has not been reported in the literature in individuals affected with CEP290-related conditions. ClinVar contains an entry for this variant (Variation ID: 290046). Algorithms developed to predict the effect of sequence changes on RNA splicing suggest that this variant may disrupt the consensus splice site. In summary, the currently available evidence indicates that the variant is pathogenic, but additional data are needed to prove that conclusively. Therefore, this variant has been classified as Likely Pathogenic.

Baylor Genetics
Classification: Likely pathogenic for Bardet-Biedl syndrome 14. Last evaluated: 2024-03-27. Review status: criteria provided, single submitter. Criteria: ACMG Guidelines, 2015. Collection method: clinical testing. Allele origin: unknown.

Department of Pathology and Laboratory Medicine, Sinai Health System
Classification: Likely pathogenic for Senior-Loken syndrome 6; Joubert syndrome 5. Last evaluated: 2023-09-20. Review status: criteria provided, single submitter. Criteria: ACMG Guidelines, 2015. Collection method: research. Allele origin: germline.

Blueprint Genetics
Classification: Uncertain significance. Last evaluated: 2023-04-19. Review status: criteria provided, single submitter. Criteria: ACMG Guidelines, 2015. Collection method: clinical testing. Allele origin: germline.

GeneDx
Classification: Uncertain significance. Last evaluated: 2022-04-19. Review status: criteria provided, single submitter. Criteria: GeneDx Variant Classification Process June 2021. Collection method: clinical testing. Allele origin: germline. Affected: yes.
Comment: Canonical splice site variant expected to result in aberrant splicing, although in the absence of functional evidence the actual effect of this sequence change is unknown.; Has not been previously published as pathogenic or benign to our knowledge; This variant is associated with the following publications: (PMID: 29754767)

Ambry Genetics
Classification: Uncertain significance for Inborn genetic diseases. Last evaluated: 2021-09-21. Review status: criteria provided, single submitter. Criteria: Ambry Variant Classification Scheme 2023. Collection method: clinical testing. Allele origin: germline.
Comment: Punj, 2018_x000D_ _x000D_ Resulting transcript is predicted to be in-frame and is not expected to trigger nonsense-mediated mRNA decay Based on insufficient or conflicting evidence, the clinical significance of this alteration remains unclear.

CeGaT Center for Human Genetics Tuebingen
Classification: Pathogenic. Last evaluated: 2021-09-01. Review status: criteria provided, single submitter. Criteria: CeGaT Center For Human Genetics Tuebingen Variant Classification Criteria Version 2. Collection method: clinical testing. Allele origin: germline. Affected: yes. Observed: 1 variant allele.

New York Genome Center
Classification: Likely pathogenic for Joubert syndrome 5; Leber congenital amaurosis 10; Meckel syndrome, type 4; Senior-Loken syndrome 6. Last evaluated: 2020-11-30. Review status: criteria provided, single submitter. Criteria: NYGC Assertion Criteria 2020. Collection method: clinical testing. Allele origin: germline. Observed: 1 heterozygote.

Baylor Genetics
Classification: Likely pathogenic for Meckel syndrome, type 4. Last evaluated: 2019-09-06. Review status: criteria provided, single submitter. Criteria: ACMG Guidelines, 2015. Collection method: clinical testing. Allele origin: unknown. Affected: yes.
Comment: This variant was determined to be likely pathogenic according to ACMG Guidelines, 2015 [PMID:25741868].

Eurofins Ntd Llc (ga)
Classification: Likely pathogenic. Last evaluated: 2016-09-20. Review status: criteria provided, single submitter. Criteria: EGL Classification Definitions. Collection method: clinical testing. Allele origin: germline. Observed: 1 variant allele, 1 heterozygote.

Knight Diagnostic Laboratories, Oregon Health and Sciences University
Classification: Likely pathogenic for Joubert syndrome 5. Last evaluated: 2016-03-30. Review status: criteria provided, single submitter. Criteria: ACMG Guidelines, 2015. Collection method: clinical testing. Allele origin: germline. Affected: no. Study: CSER-NextGen.
Comment: This c.6645+1G>A variant is predicted to affect the splice-donor site in intron 48 of the CEP290 gene. The frequency of this variant is very low in the ExAC database and is absent in both the 1000 Genomes and Exome Sequencing Project databases. In addition, splice-site computational algorithms have predicted this variant to abrogate splicing. Loss-of-function mutations are a known mechanism of disease for this disorder; therefore, we have provisionally classified this variant as Likely Pathogenic. We have confirmed this sequence change in our laboratory using Sanger sequencing. However, splicing studies are necessary to confirm this interpretation.

Suma Genomics
Classification: Pathogenic for Bardet-Biedl syndrome 14; Joubert syndrome 5; Meckel syndrome, type 4; Senior-Loken syndrome 6. Review status: criteria provided, single submitter. Criteria: ACMG Guidelines, 2015. Collection method: clinical testing. Allele origin: inherited. Inheritance: Autosomal recessive inheritance. Affected: yes.

Dr. Peter K. Rogan Lab, Western University
No classification provided (evidence only). Condition: Malignant tumor of urinary bladder. Review status: no classification provided. Collection method: in vitro. Allele origin: not applicable. Functional consequence: skipped exon, retained intron. Not counted in ClinVar's aggregate classification.

Literature cited by the submitters: PubMed 16199547 (cited by Labcorp Genetics (formerly Invitae), Labcorp); PubMed 16909394 (cited by Labcorp Genetics (formerly Invitae), Labcorp); PubMed 17345604 (cited by Labcorp Genetics (formerly Invitae), Labcorp); PubMed 20690115 (cited by Labcorp Genetics (formerly Invitae), Labcorp); PubMed 29754767 (cited by Ambry Genetics).

NM_025114.4(CEP290):c.6645+1G>A

Gene: CEP290 (centrosomal protein 290; minus strand). Cytogenetic location: 12q21.32.
Variant type: single nucleotide variant.
Coding change: c.6645+1G>A on transcript NM_025114.4 (MANE Select); the canonical splice donor site of the intron after coding-DNA position 6645, G replaced by A.
Molecular consequence: splice donor variant.
Genome position (GRCh38, 1-based): chr12:88,059,897, C>T on the plus strand (G>A on the coding strand, the complement: CEP290 is on the minus strand). VCF-style: chr12-88059897-C-T. GRCh37 (hg19) VCF-style: chr12-88453674-C-T.
Identifiers: ClinVar variation 290046 (VCV000290046.66), dbSNP rs201218801, ClinGen allele CA6711459.
Genomic context (GRCh38, chr12:88,059,897, plus strand): 5'-TTTCCAAGAGGTATTAAGTAAAATAAAAATCAAAAGTTATAATCAGTCATAAAAGTCATA[C>T]TTTTTTAAGTTCTTTACGAAGCCTTTCATTTTCAGCAATAATTTTTTCTGTGCCTTTGGT-3'